The following is an entry in ClinVar:

ClinVar aggregate classification (germline): Uncertain significance (1 of 4 stars; one submission).

Submission:

Labcorp Genetics (formerly Invitae), Labcorp
Classification: Uncertain significance. Last evaluated: 2022-02-10. Review status: criteria provided, single submitter. Criteria: Invitae Variant Classification Sherloc (09022015). Collection method: clinical testing. Allele origin: germline.
Comment: In summary, the available evidence is currently insufficient to determine the role of this variant in disease. Therefore, it has been classified as a Variant of Uncertain Significance. Algorithms developed to predict the effect of missense changes on protein structure and function are either unavailable or do not agree on the potential impact of this missense change (SIFT: "Deleterious"; PolyPhen-2: "Benign"; Align-GVGD: "Class C0"). This variant has not been reported in the literature in individuals affected with CACNA1E-related conditions. This variant is not present in population databases (gnomAD no frequency). This sequence change replaces tyrosine, which is neutral and polar, with phenylalanine, which is neutral and non-polar, at codon 53 of the CACNA1E protein (p.Tyr53Phe).

NM_001205293.3(CACNA1E):c.158A>T (p.Tyr53Phe)

Gene: CACNA1E (calcium voltage-gated channel subunit alpha1 E; plus strand). Cytogenetic location: 1q25.3.
Variant type: single nucleotide variant.
Coding change: c.158A>T on transcript NM_001205293.3 (MANE Select); coding-DNA position 158, A replaced by T.
Protein change: p.Tyr53Phe; replaces tyrosine 53 with phenylalanine.
Molecular consequence: missense variant.
Genome position (GRCh38, 1-based): chr1:181,483,902, A>T. VCF-style: chr1-181483902-A-T. GRCh37 (hg19) VCF-style: chr1-181453038-A-T.
Other names: c.158A>T, p.Tyr53Phe (NM_000721.4, NM_001205294.2); short protein forms Y53F.
Identifiers: ClinVar variation 1926074 (VCV001926074.5), dbSNP rs2526277085, ClinGen allele CA343844468.
Genomic context (GRCh38, chr1:181,483,902, plus strand): 5'-CGGGGCAGGCGGCCGCCTACAAGCAGACGAAAGCACAGAGGGCGCGGACTATGGCTTTGT[A>T]CAACCCCATTCCCGTCCGGCAGAACTGTTTCACCGTCAACAGATCCCTGTTCATCTTCGG-3'
Protein context (NP_001192222.1, residues 43-63): KAQRARTMAL[Tyr53Phe]NPIPVRQNCF